The following is an entry in ClinVar:

NM_014319.5(LEMD3):c.1652G>A (p.Ser551Asn)

Gene: LEMD3 (LEM domain containing 3; plus strand). Cytogenetic location: 12q14.3.
Variant type: single nucleotide variant.
Coding change: c.1652G>A on transcript NM_014319.5 (MANE Select); coding-DNA position 1652, G replaced by A.
Protein change: p.Ser551Asn; replaces serine 551 with asparagine.
Molecular consequence: missense variant.
Genome position (GRCh38, 1-based): chr12:65,218,576, G>A. VCF-style: chr12-65218576-G-A. GRCh37 (hg19) VCF-style: chr12-65612356-G-A.
Other names: c.1649G>A, p.Ser550Asn (NM_001167614.2); short protein forms S550N, S551N.
Identifiers: ClinVar variation 2720114 (VCV002720114.3), dbSNP rs764193615, ClinGen allele CA6670990.

ClinVar aggregate classification (germline): Uncertain significance (1 of 4 stars; one submission).

Allele frequency attached by ClinVar (database versions not stated): ExAC 0.00001; gnomAD 0.00002; TOPMed 0.00002; gnomAD exomes 0.00001.
gnomAD v4.1: 12 of 1,606,880 alleles (0.00075%); highest among the groups gnomAD compares: African/African-American, 0.0013%; no homozygotes.

Submission:

Labcorp Genetics (formerly Invitae), Labcorp
Classification: Uncertain significance. Last evaluated: 2026-01-27. Review status: criteria provided, single submitter. Criteria: Invitae Variant Classification Sherloc (09022015). Collection method: clinical testing. Allele origin: germline.
Comment: This sequence change replaces serine, which is neutral and polar, with asparagine, which is neutral and polar, at codon 551 of the LEMD3 protein (p.Ser551Asn). This variant is present in population databases (rs764193615, gnomAD 0.002%). This variant has not been reported in the literature in individuals affected with LEMD3-related conditions. ClinVar contains an entry for this variant (Variation ID: 2720114). Invitae Evidence Modeling of protein sequence and biophysical properties (such as structural, functional, and spatial information, amino acid conservation, physicochemical variation, residue mobility, and thermodynamic stability) indicates that this missense variant is not expected to disrupt LEMD3 protein function with a negative predictive value of 80%. In summary, the available evidence is currently insufficient to determine the role of this variant in disease. Therefore, it has been classified as a Variant of Uncertain Significance.